The following is an entry in ClinVar:

NM_182961.4(SYNE1):c.9896C>A (p.Ala3299Glu)

Gene: SYNE1 (spectrin repeat containing nuclear envelope protein 1; minus strand). Cytogenetic location: 6q25.2.
Variant type: single nucleotide variant.
Coding change: c.9896C>A on transcript NM_182961.4 (MANE Select); coding-DNA position 9896, C replaced by A.
Protein change: p.Ala3299Glu; replaces alanine 3299 with glutamic acid.
Molecular consequence: missense variant.
Genome position (GRCh38, 1-based): chr6:152,367,294, G>T on the plus strand (C>A on the coding strand, the complement: SYNE1 is on the minus strand). VCF-style: chr6-152367294-G-T. GRCh37 (hg19) VCF-style: chr6-152688429-G-T.
Other names: c.9917C>A, p.Ala3306Glu (NM_033071.5); short protein forms A3299E, A3306E.
Identifiers: ClinVar variation 3026163 (VCV003026163.22), dbSNP rs373760161, ClinGen allele CA366135486.

ClinVar aggregate classification (germline): Likely benign (1 of 4 stars; one submission).

gnomAD v4.1: 2 of 1,614,002 alleles (0.00012%); highest among the groups gnomAD compares: Non-Finnish European, 0.00017%; no homozygotes.

Submission:

CeGaT Center for Human Genetics Tuebingen
Classification: Likely benign. Last evaluated: 2024-02-01. Review status: criteria provided, single submitter. Criteria: CeGaT Center For Human Genetics Tuebingen Variant Classification Criteria Version 2. Collection method: clinical testing. Allele origin: germline. Affected: yes. Observed: 1 variant allele.
Comment: SYNE1: BP4